The following is an entry in ClinVar:

NM_024301.5(FKRP):c.283C>T (p.Arg95Cys)

Gene: FKRP (fukutin related protein; plus strand). Cytogenetic location: 19q13.32.
Variant type: single nucleotide variant.
Coding change: c.283C>T on transcript NM_024301.5 (MANE Select); coding-DNA position 283, C replaced by T.
Protein change: p.Arg95Cys; replaces arginine 95 with cysteine.
Molecular consequence: missense variant.
Genome position (GRCh38, 1-based): chr19:46,755,733, C>T. VCF-style: chr19-46755733-C-T. GRCh37 (hg19) VCF-style: chr19-47258990-C-T.
Other names: c.283C>T, p.Arg95Cys (NM_001039885.3); short protein forms R95C.
Identifiers: ClinVar variation 1163148 (VCV001163148.10), dbSNP rs767399675, ClinGen allele CA9532138.

ClinVar aggregate classification (germline): Uncertain significance. Review status: criteria provided, multiple submitters, no conflicts (2 of 4 stars). 4 submissions from 4 submitters: Uncertain significance (4). Last evaluated 2025-06-02.

Conditions:
Cardiovascular phenotype. Identifiers: MedGen CN230736.
Walker-Warburg congenital muscular dystrophy. Also called: Muscular dystrophy-dystroglycanopathy, type A; Walker-Warburg syndrome. Identifiers: Orphanet 899, MedGen C0265221, MONDO:0000171.

Allele frequency attached by ClinVar (database versions not stated): TOPMed 0.00003; ExAC 0.00009; gnomAD 0.00001; gnomAD exomes 0.00002.
gnomAD v4.1: 15 of 1,568,492 alleles (0.00096%); highest among the groups gnomAD compares: Non-Finnish European, 0.0013%; no homozygotes.

Submissions (4):

Women's Health and Genetics/Laboratory Corporation of America, LabCorp
Classification: Uncertain significance. Last evaluated: 2025-06-02. Review status: criteria provided, single submitter. Criteria: LabCorp Variant Classification Summary - May 2015. Collection method: clinical testing. Allele origin: germline.
Comment: Variant summary: FKRP c.283C>T (p.Arg95Cys) results in a non-conservative amino acid change in the encoded protein sequence. Algorithms developed to predict the effect of missense changes on protein structure and function are either unavailable or do not agree on the potential impact of this missense change. The variant allele was found at a frequency of 2.2e-05 in 181694 control chromosomes. The available data on variant occurrences in the general population are insufficient to allow any conclusion about variant significance. c.283C>T has been observed in individual(s) affected with Muscular Dystrophy (Yis_2011). These report(s) do not provide unequivocal conclusions about association of the variant with Limb-Girdle Muscular Dystrophy, Autosomal Recessive. To our knowledge, no experimental evidence demonstrating an impact on protein function has been reported. The following publication have been ascertained in the context of this evaluation (PMID: 20961758). ClinVar contains an entry for this variant (Variation ID: 1163148). Based on the evidence outlined above, the variant was classified as uncertain significance.

Ambry Genetics
Classification: Uncertain significance for Cardiovascular phenotype. Last evaluated: 2022-12-15. Review status: criteria provided, single submitter. Criteria: Ambry Variant Classification Scheme 2023. Collection method: clinical testing. Allele origin: germline.
Comment: The p.R95C variant (also known as c.283C>T), located in coding exon 1 of the FKRP gene, results from a C to T substitution at nucleotide position 283. The arginine at codon 95 is replaced by cysteine, an amino acid with highly dissimilar properties. This alteration has been reported in a congenital muscular dystrophy cohort; however, this individual was also identified to have two alterations in FKTN (Yis U et al. Neuromuscul Disord, 2011 Jan;21:20-30). This amino acid position is not well conserved in available vertebrate species. In addition, the in silico prediction for this alteration is inconclusive. Since supporting evidence is limited at this time, the clinical significance of this alteration remains unclear.

Labcorp Genetics (formerly Invitae), Labcorp
Classification: Uncertain significance for Walker-Warburg congenital muscular dystrophy. Last evaluated: 2022-04-16. Review status: criteria provided, single submitter. Criteria: Invitae Variant Classification Sherloc (09022015). Collection method: clinical testing. Allele origin: germline.
Comment: This sequence change replaces arginine, which is basic and polar, with cysteine, which is neutral and slightly polar, at codon 95 of the FKRP protein (p.Arg95Cys). The frequency data for this variant in the population databases is considered unreliable, as metrics indicate poor data quality at this position in the gnomAD database. This missense change has been observed in individual(s) with congenital muscular dystrophy (PMID: 20961758). ClinVar contains an entry for this variant (Variation ID: 1163148). Algorithms developed to predict the effect of missense changes on protein structure and function are either unavailable or do not agree on the potential impact of this missense change (SIFT: "Deleterious"; PolyPhen-2: "Benign"; Align-GVGD: "Class C0"). In summary, the available evidence is currently insufficient to determine the role of this variant in disease. Therefore, it has been classified as a Variant of Uncertain Significance.

Mayo Clinic Laboratories, Mayo Clinic
Classification: Uncertain significance. Last evaluated: 2021-02-16. Review status: criteria provided, single submitter. Criteria: ACMG Guidelines, 2015. Collection method: clinical testing. Allele origin: germline. Observed: 1 variant allele.

Literature cited by the submitters: PubMed 20961758 (cited by 3 submitters).